The following is an entry in ClinVar:

NM_000282.4(PCCA):c.1589C>T (p.Ser530Leu)

Gene: PCCA (propionyl-CoA carboxylase subunit alpha; plus strand). Cytogenetic location: 13q32.3.
Variant type: single nucleotide variant.
Coding change: c.1589C>T on transcript NM_000282.4 (MANE Select); coding-DNA position 1589, C replaced by T.
Protein change: p.Ser530Leu; replaces serine 530 with leucine.
Molecular consequence: missense variant. On other transcripts: non-coding transcript variant (5).
Genome position (GRCh38, 1-based): chr13:100,340,205, C>T. VCF-style: chr13-100340205-C-T. GRCh37 (hg19) VCF-style: chr13-100992459-C-T.
Other names: c.644C>T, p.Ser215Leu (NM_001352610.2, NM_001352611.2); c.500C>T, p.Ser167Leu (NM_001352612.2); c.1511C>T, p.Ser504Leu (NM_001127692.3, NM_001352607.2); c.1589C>T, p.Ser530Leu (NM_001178004.2, NM_001352605.2, NM_001352609.2); c.1445C>T, p.Ser482Leu (NM_001352606.2); c.1367C>T, p.Ser456Leu (NM_001352608.2); short protein forms S530L, S167L, S456L, S215L, S482L, S504L.
Identifiers: ClinVar variation 1357943 (VCV001357943.8), dbSNP rs2071090257, ClinGen allele CA388696401.
Genomic context (GRCh38, chr13:100,340,205, plus strand): 5'-GATTTCCCTCAGGACACATGCTAACCAAGAGTGAGAAGAACCAGTTATTGGCAATAGCAT[C>T]ATCATTGTTTGTGGCATTCCAGTTAAGAGCACAACATTTTCAAGAAAATTCAAGGTATGG-3'
Protein context (NP_000273.2, residues 520-540): SEKNQLLAIA[Ser530Leu]SLFVAFQLRA

ClinVar aggregate classification (germline): Uncertain significance (1 of 4 stars; one submission).

Conditions:
Propionic acidemia (PROP). Also called: HYPERGLYCINEMIA WITH KETOACIDOSIS AND LEUKOPENIA; KETOTIC HYPERGLYCINEMIA; GLYCINEMIA, KETOTIC. Identifiers: Orphanet 35, MedGen C0268579, MONDO:0011628, OMIM 606054, HP:0003571.

Submission:

Labcorp Genetics (formerly Invitae), Labcorp
Classification: Uncertain significance for Propionic acidemia. Last evaluated: 2021-05-31. Review status: criteria provided, single submitter. Criteria: Invitae Variant Classification Sherloc (09022015). Collection method: clinical testing. Allele origin: germline.
Comment: In summary, the available evidence is currently insufficient to determine the role of this variant in disease. Therefore, it has been classified as a Variant of Uncertain Significance. Advanced modeling of protein sequence and biophysical properties (such as structural, functional, and spatial information, amino acid conservation, physicochemical variation, residue mobility, and thermodynamic stability) performed at Invitae indicates that this missense variant is not expected to disrupt PCCA protein function. This variant has not been reported in the literature in individuals with PCCA-related conditions. This variant is not present in population databases (ExAC no frequency). This sequence change replaces serine with leucine at codon 530 of the PCCA protein (p.Ser530Leu). The serine residue is moderately conserved and there is a large physicochemical difference between serine and leucine.